The following is an entry in ClinVar:

NM_001080.3(ALDH5A1):c.762C>A (p.Tyr254Ter)

Gene: ALDH5A1 (aldehyde dehydrogenase 5 family member A1; plus strand). Cytogenetic location: 6p22.3.
Variant type: single nucleotide variant.
Coding change: c.762C>A on transcript NM_001080.3 (MANE Select); coding-DNA position 762, C replaced by A.
Protein change: p.Tyr254Ter; replaces tyrosine 254 with a stop codon.
Molecular consequence: nonsense. On other transcripts: intron variant (1).
Genome position (GRCh38, 1-based): chr6:24,515,202, C>A. VCF-style: chr6-24515202-C-A. GRCh37 (hg19) VCF-style: chr6-24515430-C-A.
Other names: c.801C>A, p.Tyr267Ter (NM_170740.1); c.727-5199C>A (NM_001368954.1); short protein forms Y254*, Y267*.
Identifiers: ClinVar variation 3726519 (VCV003726519.2).
Genomic context (GRCh38, chr6:24,515,202, plus strand): 5'-ACATGTTTGCTGTTTCTCTTTATAGCTTGCAAGCCAGGCTGGGATTCCTTCAGGTGTATA[C>A]AATGTTATTCCCTGTTCTCGAAAGAATGCCAAGGAAGTAGGGGAGGCAATTTGTACTGAT-3'

ClinVar aggregate classification (germline): Pathogenic (1 of 4 stars; one submission).

Conditions:
Succinate-semialdehyde dehydrogenase deficiency (SSADHD). Also called: Succinic Semialdehyde Dehydrogenase Deficiency; 4-HYDROXYBUTYRIC ACIDURIA; GABA METABOLIC DEFECT; SSADH DEFICIENCY. Identifiers: Orphanet 22, MedGen C0268631, MONDO:0010083, OMIM 271980.

Submission:

Labcorp Genetics (formerly Invitae), Labcorp
Classification: Pathogenic for Succinate-semialdehyde dehydrogenase deficiency. Last evaluated: 2024-12-03. Review status: criteria provided, single submitter. Criteria: Invitae Variant Classification Sherloc (09022015). Collection method: clinical testing. Allele origin: germline.
Comment: This sequence change creates a premature translational stop signal (p.Tyr254*) in the ALDH5A1 gene. It is expected to result in an absent or disrupted protein product. Loss-of-function variants in ALDH5A1 are known to be pathogenic (PMID: 14635103). This variant is not present in population databases (gnomAD no frequency). This variant has not been reported in the literature in individuals affected with ALDH5A1-related conditions. For these reasons, this variant has been classified as Pathogenic.

Literature cited by the submitters: PubMed 14635103.